The following is an entry in ClinVar:

NM_022489.4(INF2):c.2714C>T (p.Ser905Phe)

Gene: INF2 (inverted formin 2; plus strand). Cytogenetic location: 14q32.33.
Variant type: single nucleotide variant.
Coding change: c.2714C>T on transcript NM_022489.4 (MANE Select); coding-DNA position 2714, C replaced by T.
Protein change: p.Ser905Phe; replaces serine 905 with phenylalanine.
Molecular consequence: missense variant.
Genome position (GRCh38, 1-based): chr14:104,712,931, C>T. VCF-style: chr14-104712931-C-T. GRCh37 (hg19) VCF-style: chr14-105179268-C-T.
Other names: p.Ser905Phe; c.2714C>T, p.Ser905Phe (NM_001031714.4); c.2714C>T (NM_022489.3); short protein forms S905F.
Identifiers: ClinVar variation 1904892 (VCV001904892.8), dbSNP rs763802374, ClinGen allele CA7373044.

ClinVar aggregate classification (germline): Uncertain significance. Review status: criteria provided, multiple submitters, no conflicts (2 of 4 stars). 4 submissions from 4 submitters: Uncertain significance (4). Last evaluated 2025-08-16.

Conditions:
Inborn genetic diseases. Identifiers: MedGen C0950123, MeSH D030342.
Charcot-Marie-Tooth disease dominant intermediate E. Also called: CHARCOT-MARIE-TOOTH NEUROPATHY WITH FOCAL SEGMENTAL GLOMERULONEPHRITIS. Identifiers: Orphanet 93114, MedGen C4302667, MONDO:0013758, OMIM 614455.
Focal segmental glomerulosclerosis 5 (FSGS5). Identifiers: Orphanet 656, MedGen C2750475, MONDO:0013191, OMIM 613237.

Allele frequency attached by ClinVar (database versions not stated): ExAC 0.00001; gnomAD exomes 0.00001.
gnomAD v4.1: 21 of 1,612,708 alleles (0.0013%); highest among the groups gnomAD compares: Non-Finnish European, 0.0017%; no homozygotes.

Submissions (4):

Mayo Clinic Laboratories, Mayo Clinic
Classification: Uncertain significance. Last evaluated: 2025-08-16. Review status: criteria provided, single submitter. Criteria: ACMG Guidelines, 2015. Collection method: clinical testing. Allele origin: germline. Observed: 1 variant allele.
Comment: BS2

Fulgent Genetics
Classification: Uncertain significance for Focal segmental glomerulosclerosis 5; Charcot-Marie-Tooth disease dominant intermediate E. Last evaluated: 2024-06-01. Review status: criteria provided, single submitter. Criteria: ACMG Guidelines, 2015. Collection method: clinical testing. Allele origin: germline.

Ambry Genetics
Classification: Uncertain significance for Inborn genetic diseases. Last evaluated: 2023-11-22. Review status: criteria provided, single submitter. Criteria: Ambry Variant Classification Scheme 2023. Collection method: clinical testing. Allele origin: germline.

Labcorp Genetics (formerly Invitae), Labcorp
Classification: Uncertain significance for Charcot-Marie-Tooth disease dominant intermediate E; Focal segmental glomerulosclerosis 5. Last evaluated: 2022-01-06. Review status: criteria provided, single submitter. Criteria: Invitae Variant Classification Sherloc (09022015). Collection method: clinical testing. Allele origin: germline.
Comment: Algorithms developed to predict the effect of missense changes on protein structure and function are either unavailable or do not agree on the potential impact of this missense change (SIFT: "Deleterious"; PolyPhen-2: "Not Available"; Align-GVGD: "Class C0"). This variant has not been reported in the literature in individuals affected with INF2-related conditions. This variant is present in population databases (rs763802374, gnomAD 0.003%). This sequence change replaces serine, which is neutral and polar, with phenylalanine, which is neutral and non-polar, at codon 905 of the INF2 protein (p.Ser905Phe). In summary, the available evidence is currently insufficient to determine the role of this variant in disease. Therefore, it has been classified as a Variant of Uncertain Significance.